The following is an entry in ClinVar:

NM_152703.5(SAMD9L):c.2675T>G (p.Met892Arg)

Gene: SAMD9L (sterile alpha motif domain containing 9 like; minus strand). Cytogenetic location: 7q21.2.
Variant type: single nucleotide variant.
Coding change: c.2675T>G on transcript NM_152703.5 (MANE Select); coding-DNA position 2675, T replaced by G.
Protein change: p.Met892Arg; replaces methionine 892 with arginine.
Molecular consequence: missense variant.
Genome position (GRCh38, 1-based): chr7:93,133,297, A>C on the plus strand (T>G on the coding strand, the complement: SAMD9L is on the minus strand). VCF-style: chr7-93133297-A-C. GRCh37 (hg19) VCF-style: chr7-92762610-A-C.
Other names: c.2675T>G, p.Met892Arg (NM_001303496.3, NM_001303497.3, NM_001303498.3 and 5 more transcripts); short protein forms M892R.
Identifiers: ClinVar variation 3382574 (VCV003382574.4).

ClinVar aggregate classification (germline): Likely pathogenic (1 of 4 stars; one submission).

Conditions:
Monosomy 7 myelodysplasia and leukemia syndrome 1. Also called: Familial Mosaic Monosomy 7 Syndrome; Monosomy 7 of bone marrow; CHROMOSOME 7q DELETION. Identifiers: MedGen C1854978, MONDO:0009646, OMIM 252270.
Ataxia-pancytopenia syndrome (ATXPC). Also called: SAMD9L-Related Syndrome; SAMD9L Ataxia-Pancytopenia Syndrome. Identifiers: Orphanet 2585, MedGen C1327919, MONDO:0008038, OMIM 159550.
Spinocerebellar ataxia 49 (SCA49). Identifiers: Orphanet 631106, MedGen C5676950, MONDO:0030805, OMIM 619806.

Submission:

Juno Genomics, Hangzhou Juno Genomics, Inc
Classification: Likely pathogenic for Spinocerebellar ataxia 49; Ataxia-pancytopenia syndrome; Monosomy 7 myelodysplasia and leukemia syndrome 1. Review status: criteria provided, single submitter. Criteria: ACMG Guidelines, 2015. Collection method: clinical testing. Allele origin: germline.
Comment: Absent from controls (or at extremely low frequency if recessive) in Genome Aggregation Database.;De novo (both maternity and paternity confirmed) in a patient with the disease and no family history.;The prevalence of the variant in affected individuals is significantly increased compared to the prevalence in controls.;Patient's phenotype or family history is highly specific for a disease with a single genetic etiology.